The following is an entry in ClinVar:

ClinVar aggregate classification (germline): Pathogenic. Review status: criteria provided, single submitter (1 of 4 stars). 2 submissions from 2 submitters: Pathogenic (1). 1 of the submissions does not count toward it. Last evaluated 2024-10-08.

Conditions:
Craniosynostosis-anal anomalies-porokeratosis syndrome (CAP syndrome). Also called: CDAGS syndrome. Identifiers: Orphanet 85199, MedGen C1864186, MONDO:0011287, OMIM 603116.

Submissions (2):

Institute of Medical Genetics and Applied Genomics, University Hospital Tübingen
Classification: Pathogenic for Craniosynostosis-anal anomalies-porokeratosis syndrome. Last evaluated: 2024-10-08. Review status: criteria provided, single submitter. Criteria: ACMG Guidelines, 2015. Collection method: clinical testing. Allele origin: germline. Inheritance: Autosomal recessive inheritance. Affected: yes.
Comment: compound heterozygous with second variant

OMIM
Classification: Pathogenic for CDAGS SYNDROME. Last evaluated: 2023-01-24. Review status: no assertion criteria provided. Collection method: literature only. Allele origin: germline. Not counted in ClinVar's aggregate classification.

Literature cited by the submitters: PubMed 2400728 (cited by OMIM); PubMed 9733036 (cited by OMIM); PubMed 23602181 (cited by OMIM); PubMed 28217872 (cited by OMIM); PubMed 34085356 (cited by OMIM).

NC_000022.11:g.42615396C>T

Gene: RNU12 (RNA, U12 small nuclear; plus strand). Cytogenetic location: 22q13.2.
Variant type: single nucleotide variant.
Genome position: GRCh38 VCF-style: chr22-42615396-C-T. GRCh37 (hg19) VCF-style: chr22-43011402-C-T.
Other names: RNU12, *3C-T.
Identifiers: ClinVar variation 2443783 (VCV002443783.3), dbSNP rs906381816, ClinGen allele CA324730063.